The following is an entry in ClinVar:

NM_025136.4(OPA3):c.313C>G (p.Gln105Glu)

Genes: OPA3 (outer mitochondrial membrane lipid metabolism regulator OPA3; minus strand), OPA3-RTN2 (OPA3-RTN2 readthrough; minus strand). Cytogenetic location: 19q13.32.
Variant type: single nucleotide variant.
Coding change: c.313C>G on transcript NM_025136.4 (MANE Select); coding-DNA position 313, C replaced by G.
Protein change: p.Gln105Glu; replaces glutamine 105 with glutamic acid.
Molecular consequence: missense variant. On other transcripts: intron variant (1).
Genome position (GRCh38, 1-based): chr19:45,553,741, G>C on the plus strand (C>G on the coding strand, the complement: OPA3 is on the minus strand). VCF-style: chr19-45553741-G-C. GRCh37 (hg19) VCF-style: chr19-46056999-G-C.
Other names: c.143-24285C>G (NM_001017989.3); short protein forms Q105E.
Identifiers: ClinVar variation 4241 (VCV000004241.60), dbSNP rs80356525, ClinGen allele CA340207.

ClinVar aggregate classification (germline): Pathogenic. Review status: criteria provided, multiple submitters, no conflicts (2 of 4 stars). 9 submissions from 9 submitters: Pathogenic (7). 2 of the submissions do not count toward it. Last evaluated 2025-07-17.

Conditions:
OPA3-related disorder. Also called: OPA3-related condition.
3-Methylglutaconic aciduria type 3 (MGCA3). Also called: Costeff Syndrome; OPA3-Related 3-Methylglutaconic Aciduria; OPA3, AUTOSOMAL RECESSIVE; OPTIC ATROPHY 3, AUTOSOMAL RECESSIVE. Identifiers: Orphanet 67047, MedGen C0574084, MONDO:0009787, OMIM 258501.
Optic atrophy 3 (OPA3). Also called: Optic atrophy 3 with cataract; Optic atrophy, cataract, and neurologic disorder; OPTIC ATROPHY 3, AUTOSOMAL DOMINANT. Identifiers: Orphanet 67036, MedGen C1833809, MONDO:0008133, OMIM 165300.

gnomAD v4.1: 1 of 1,611,558 alleles (0.000062%); highest among the groups gnomAD compares: Non-Finnish European, 0.000085%; no homozygotes.

Submissions (9):

Natera, Inc.
Classification: Pathogenic for 3-methylglutaconic aciduria type 3. Last evaluated: 2025-07-17. Review status: criteria provided, single submitter. Criteria: Natera Variant Classification Schema (03/2026). Collection method: clinical testing. Allele origin: germline.
Comment: The c.313C>G variant in OPA3 is a missense variant predicted to cause substitution of glutamine to glutamic acid at amino acid 105. This variant is rare in the general population with a frequency below the threshold expected for the associated phenotype(s). This variant has been observed in affected individual(s) with monoallelic occurrence (heterozygous/hemizygous) (PMID: 15342707, 24136862, 22797356). Additionally, this variant has been observed to segregate in affected family members (PMID: 24136862, 22797356, 25159689). This variant has been confirmed as or assumed to be a de novo occurrence in one or more affected individuals (PMID: 31119193). Given the available evidence, this variant is classified as Pathogenic.

GeneDx
Classification: Pathogenic. Last evaluated: 2025-05-16. Review status: criteria provided, single submitter. Criteria: GeneDx Variant Classification Process June 2021. Collection method: clinical testing. Allele origin: germline. Affected: yes.
Comment: Reported heterozygous in multiple individuals with optic atrophy and cataracts, with some individuals also reported to have hearing loss, gastrointestinal symptoms, and/or symptoms of peripheral neuropathy (PMID: 25159689, 15342707, 22797356, 24136862, 31119193); Segregates with disease in many affected individuals from several families in published literature (PMID: 24136862, 15342707, 22797356, 25159689); In silico analysis suggests that this missense variant does not alter protein structure/function; Not observed at significant frequency in large population cohorts (gnomAD); This variant is associated with the following publications: (PMID: 15342707, 18496845, 24749080, 22797356, 31119193, 39166438, 24136862, 25159689)

Institute of Medical Genetics and Applied Genomics, University Hospital Tübingen
Classification: Pathogenic for Optic atrophy 3. Last evaluated: 2023-02-07. Review status: criteria provided, single submitter. Criteria: ACMG Guidelines, 2015. Collection method: clinical testing. Allele origin: germline. Inheritance: Autosomal dominant inheritance. Affected: yes.

Blueprint Genetics
Classification: Pathogenic for OPA3-related disorders. Last evaluated: 2022-04-13. Review status: criteria provided, single submitter. Criteria: ACMG Guidelines, 2015. Collection method: clinical testing. Allele origin: germline. Affected: yes. Observed: 3 variant alleles.

Labcorp Genetics (formerly Invitae), Labcorp
Classification: Pathogenic for 3-Methylglutaconic aciduria type 3; Optic atrophy 3. Last evaluated: 2022-01-16. Review status: criteria provided, single submitter. Criteria: Invitae Variant Classification Sherloc (09022015). Collection method: clinical testing. Allele origin: germline.
Comment: For these reasons, this variant has been classified as Pathogenic. Algorithms developed to predict the effect of missense changes on protein structure and function (SIFT, PolyPhen-2, Align-GVGD) all suggest that this variant is likely to be tolerated. ClinVar contains an entry for this variant (Variation ID: 4241). This missense change has been observed in individuals with autosomal dominant optic atrophy and cataract (PMID: 15342707, 24136862, 25159689). It has also been observed to segregate with disease in related individuals. This variant is not present in population databases (gnomAD no frequency). This sequence change replaces glutamine, which is neutral and polar, with glutamic acid, which is acidic and polar, at codon 105 of the OPA3 protein (p.Gln105Glu).

Victorian Clinical Genetics Services, Murdoch Childrens Research Institute
Classification: Pathogenic for Optic atrophy 3. Last evaluated: 2021-05-06. Review status: criteria provided, single submitter. Criteria: ACMG Guidelines, 2015. Collection method: clinical testing. Allele origin: germline.
Comment: Based on the classification scheme VCGS_Germline_v1.3.4, this variant is classified as Pathogenic. Following criteria are met: 0102 - Loss of function is a known mechanism of disease in this gene and is associated with 3-methylglutaconic aciduria, type III (MIM#258501) (PMID: 31928268). The precise mechanism for missense is unknown, however it was suggested they could cause dominant Optic atrophy 3 with cataract (MIM#165300) through either dominant negative or gain of function mechanism (PMID: 31119193). (I) 0108 - This gene is associated with both recessive and dominant disease (OMIM). (I) 0115 - Variants in this gene are known to have variable expressivity. Intra- and interfamilial variability are reported (PMID: 25159689). (I) 0200 - Variant is predicted to result in a missense amino acid change from glutamine to glutamic acid. (I) 0251 - This variant is heterozygous. (I) 0301 - Variant is absent from gnomAD (both v2 and v3). (SP) 0502 - Missense variant with conflicting in silico predictions and uninformative conservation. (I) 0600 - Variant is located in the annotated coiled-coil domain (Uniprot). (I) 0701 - Another missense variant comparable to the one identified in this case has inconclusive previous evidence for pathogenicity. A different variant in the same codon resulting in a change to an arginine has been reported as VUS (ClinVar). (I) 0801 - This variant has strong previous evidence of pathogenicity in unrelated individuals. This is the most frequent mutation reported in patients with dominant optical atrophy (ClinVar, PMID: 25159689, 31119193). (SP) 1208 - Inheritance information for this variant is not currently available in this individual. (I) Legend: (SP) - Supporting pathogenic, (I) - Information, (SB) - Supporting benign

CeGaT Center for Human Genetics Tuebingen
Classification: Pathogenic. Last evaluated: 2018-12-01. Review status: criteria provided, single submitter. Criteria: CeGaT Center For Human Genetics Tuebingen Variant Classification Criteria Version 2. Collection method: clinical testing. Allele origin: germline. Affected: yes. Observed: 1 variant allele.

OMIM
Classification: Pathogenic for OPTIC ATROPHY AND CATARACT, AUTOSOMAL DOMINANT. Last evaluated: 2004-09-01. Review status: no assertion criteria provided. Collection method: literature only. Allele origin: germline. Not counted in ClinVar's aggregate classification.

GeneReviews
No classification provided. Condition: Optic atrophy 3. Review status: no classification provided. Collection method: literature only. Allele origin: unknown. Not counted in ClinVar's aggregate classification.

Literature cited by the submitters: PubMed 15342707 (cited by 4 submitters); PubMed 24136862 (cited by Natera, Inc. and Labcorp Genetics (formerly Invitae), Labcorp); PubMed 22797356 (cited by Natera, Inc.); PubMed 25159689 (cited by 3 submitters); PubMed 31119193 (cited by Natera, Inc. and Victorian Clinical Genetics Services, Murdoch Childrens Research Institute); PubMed 31928268 (cited by Victorian Clinical Genetics Services, Murdoch Childrens Research Institute); PubMed 20301646 (cited by GeneReviews); NCBI Bookshelf NBK1473 (cited by GeneReviews).